The following is an entry in ClinVar:

ClinVar aggregate classification (germline): Uncertain significance. Review status: criteria provided, multiple submitters, no conflicts (2 of 4 stars). 2 submissions from 2 submitters: Uncertain significance (2). Last evaluated 2025-08-20.

Conditions:
Inborn genetic diseases. Identifiers: MedGen C0950123, MeSH D030342.

Allele frequency attached by ClinVar (database versions not stated): gnomAD exomes 0.00002 and 0.00004; TOPMed 0.00003; ExAC 0.00007.
gnomAD v4.1: 14 of 1,614,188 alleles (0.00087%); highest among the groups gnomAD compares: South Asian, 0.015%; no homozygotes.

Submissions (2):

Ambry Genetics
Classification: Uncertain significance for Inborn genetic diseases. Last evaluated: 2025-08-20. Review status: criteria provided, single submitter. Criteria: Ambry Variant Classification Scheme 2023. Collection method: clinical testing. Allele origin: germline.

Labcorp Genetics (formerly Invitae), Labcorp
Classification: Uncertain significance. Last evaluated: 2023-12-18. Review status: criteria provided, single submitter. Criteria: Invitae Variant Classification Sherloc (09022015). Collection method: clinical testing. Allele origin: germline.
Comment: This sequence change replaces lysine, which is basic and polar, with arginine, which is basic and polar, at codon 312 of the DYM protein (p.Lys312Arg). This variant is present in population databases (rs769712199, gnomAD 0.03%). This variant has not been reported in the literature in individuals affected with DYM-related conditions. ClinVar contains an entry for this variant (Variation ID: 1040465). Advanced modeling of protein sequence and biophysical properties (such as structural, functional, and spatial information, amino acid conservation, physicochemical variation, residue mobility, and thermodynamic stability) performed at Invitae indicates that this missense variant is not expected to disrupt DYM protein function with a negative predictive value of 80%. In summary, the available evidence is currently insufficient to determine the role of this variant in disease. Therefore, it has been classified as a Variant of Uncertain Significance.

NM_001353214.3(DYM):c.935A>G (p.Lys312Arg)

Gene: DYM (dymeclin; minus strand). Cytogenetic location: 18q21.1.
Variant type: single nucleotide variant.
Coding change: c.935A>G on transcript NM_001353214.3 (MANE Select); coding-DNA position 935, A replaced by G.
Protein change: p.Lys312Arg; replaces lysine 312 with arginine.
Molecular consequence: missense variant. On other transcripts: intron variant (1).
Genome position (GRCh38, 1-based): chr18:49,286,445, T>C on the plus strand (A>G on the coding strand, the complement: DYM is on the minus strand). VCF-style: chr18-49286445-T-C. GRCh37 (hg19) VCF-style: chr18-46812815-T-C.
Other names: c.932A>G, p.Lys311Arg (NM_001353210.3, NM_001353211.3, NM_001353212.3 and 3 more transcripts); c.935A>G, p.Lys312Arg (NM_001353215.3, NM_001353216.3, NM_001374428.1 and 5 more transcripts); c.929A>G, p.Lys310Arg (NM_001374429.1, NM_001374439.1); c.809A>G, p.Lys270Arg (NM_001374432.1, NM_001374436.1); c.935A>G (NM_017653.3); c.707A>G, p.Lys236Arg (NM_001374440.1); c.365A>G, p.Lys122Arg (NM_001374441.1, NM_001374442.1, NM_001374444.1); c.362A>G, p.Lys121Arg (NM_001374443.1); and 1 more; short protein forms K121R, K122R, K236R, K310R, K312R, K270R, K311R.
Identifiers: ClinVar variation 1040465 (VCV001040465.9), dbSNP rs769712199, ClinGen allele CA8958205.